The following is an entry in ClinVar:

ClinVar aggregate classification (germline): Uncertain significance (1 of 4 stars; one submission).

Conditions:
Developmental and epileptic encephalopathy, 33 (DEE33). Also called: Epileptic encephalopathy, early infantile, 33. Identifiers: Orphanet 442835, MedGen C4225337, MONDO:0014625, OMIM 616409.

Submission:

Labcorp Genetics (formerly Invitae), Labcorp
Classification: Uncertain significance for Developmental and epileptic encephalopathy, 33. Last evaluated: 2022-04-25. Review status: criteria provided, single submitter. Criteria: Invitae Variant Classification Sherloc (09022015). Collection method: clinical testing. Allele origin: germline.
Comment: This sequence change replaces lysine, which is basic and polar, with glutamic acid, which is acidic and polar, at codon 457 of the EEF1A2 protein (p.Lys457Glu). This variant is not present in population databases (gnomAD no frequency). This variant has not been reported in the literature in individuals affected with EEF1A2-related conditions. Advanced modeling of protein sequence and biophysical properties (such as structural, functional, and spatial information, amino acid conservation, physicochemical variation, residue mobility, and thermodynamic stability) performed at Invitae indicates that this missense variant is expected to disrupt EEF1A2 protein function. In summary, the available evidence is currently insufficient to determine the role of this variant in disease. Therefore, it has been classified as a Variant of Uncertain Significance.

NM_001958.5(EEF1A2):c.1369A>G (p.Lys457Glu)

Gene: EEF1A2 (eukaryotic translation elongation factor 1 alpha 2; minus strand). Cytogenetic location: 20q13.33.
Variant type: single nucleotide variant.
Coding change: c.1369A>G on transcript NM_001958.5 (MANE Select); coding-DNA position 1369, A replaced by G.
Protein change: p.Lys457Glu; replaces lysine 457 with glutamic acid.
Molecular consequence: missense variant.
Genome position (GRCh38, 1-based): chr20:63,488,321, T>C on the plus strand (A>G on the coding strand, the complement: EEF1A2 is on the minus strand). VCF-style: chr20-63488321-T-C. GRCh37 (hg19) VCF-style: chr20-62119674-T-C.
Other names: short protein forms K457E.
Identifiers: ClinVar variation 2130764 (VCV002130764.4), dbSNP rs2516772138, ClinGen allele CA409642962.